The following is an entry in ClinVar:

ClinVar aggregate classification (germline): Uncertain significance. Review status: criteria provided, multiple submitters, no conflicts (2 of 4 stars). 2 submissions from 2 submitters: Uncertain significance (2). Last evaluated 2023-03-30.

Conditions:
Autosomal recessive limb-girdle muscular dystrophy type 2J (LGMDR10). Also called: Limb-girdle muscular dystrophy, type 2J; MUSCULAR DYSTROPHY, LIMB-GIRDLE, AUTOSOMAL RECESSIVE 10. Identifiers: Orphanet 140922, MedGen C1837342, MONDO:0012127, OMIM 608807.

Allele frequency attached by ClinVar (database versions not stated): TOPMed 0.00001; ExAC 0.00002; gnomAD exomes 0.00002.
gnomAD v4.1: 24 of 1,612,906 alleles (0.0015%); highest among the groups gnomAD compares: Admixed American, 0.0033%; no homozygotes.

Submissions (2):

Molecular Genetics, Royal Melbourne Hospital
Classification: Uncertain significance for Autosomal recessive limb-girdle muscular dystrophy type 2J. Last evaluated: 2023-03-30. Review status: criteria provided, single submitter. Criteria: ACMG Guidelines, 2015. Collection method: clinical testing. Allele origin: germline. Affected: yes.
Comment: This sequence change in TTN is predicted to replace glycine with serine at codon 31812, p.(Gly31812Ser). The glycine residue is highly conserved (100 vertebrates, UCSC), and is located in the fibronectin type-III (FN3) domain 120 in the A-band. This domain is adjacent to a myofibrillar myopathy hot spot located in FN3 119, where the disease-causing missense variants are associated with protein mis-folding (PMID: 24636144). There is a small physicochemical difference between glycine and serine. The highest population minor allele frequency in gnomAD v2.1 is 0.006% (2/34,460 alleles) in the Latino/admixed American population, which is a recessive condition. To our knowledge, this variant has not been reported in the literature in any individuals with TTN-related disease. This variant has been reported as a variant of uncertain significance (ClinVar ID: 282402). This variant has been observed with the variant NM_001267550.1:c.72688G>T, p.Glu24230* (Royal Melbourne Hospital) which is classified as likely pathogenic in an individual with limb-girdle muscular dystrophy. Multiple lines of computational evidence have conflicting predictions for the missense substitution (3/6 algorithms predict deleterious). Based on the classification scheme RMH Modified ACMG Guidelines v1.5.1, this variant is classified as a VARIANT OF UNCERTAIN SIGNIFICANCE. Following criteria are met: PM2_Supporting, PM3_Supporting.

Eurofins Ntd Llc (ga)
Classification: Uncertain significance. Last evaluated: 2015-08-06. Review status: criteria provided, single submitter. Criteria: EGL Classification Definitions 2015. Collection method: clinical testing. Allele origin: germline. Observed: 1 variant allele, 1 heterozygote.

Literature cited by the submitters: PubMed 24636144 (cited by Molecular Genetics, Royal Melbourne Hospital).

NM_001267550.2(TTN):c.95434G>A (p.Gly31812Ser)

Genes: TTN (titin; minus strand), TTN-AS1 (TTN antisense RNA 1; plus strand). Cytogenetic location: 2q31.2.
Variant type: single nucleotide variant.
Coding change: c.95434G>A on transcript NM_001267550.2 (MANE Select); coding-DNA position 95434, G replaced by A.
Protein change: p.Gly31812Ser; replaces glycine 31812 with serine.
Molecular consequence: missense variant.
Genome position (GRCh38, 1-based): chr2:178,545,676, C>T on the plus strand (G>A on the coding strand, the complement: TTN is on the minus strand). VCF-style: chr2-178545676-C-T. GRCh37 (hg19) VCF-style: chr2-179410403-C-T.
Other names: c.90511G>A, p.Gly30171Ser (NM_001256850.1); c.68239G>A, p.Gly22747Ser (NM_003319.4); c.87730G>A, p.Gly29244Ser (NM_133378.4); c.68614G>A, p.Gly22872Ser (NM_133432.3); c.68815G>A, p.Gly22939Ser (NM_133437.4); short protein forms G31812S, G29244S, G22939S, G30171S, G22872S, G22747S.
Identifiers: ClinVar variation 282402 (VCV000282402.7), dbSNP rs754416007, ClinGen allele CA1986950.